The following is an entry in ClinVar:

ClinVar aggregate classification (germline): Uncertain significance (1 of 4 stars; one submission).

Allele frequency attached by ClinVar (database versions not stated): ExAC 0.00001; TOPMed 0.00001; gnomAD 0.00002; ESP Exome Variant Server 0.00008.
gnomAD v4.1: 3 of 1,614,060 alleles (0.00019%); highest among the groups gnomAD compares: African/African-American, 0.004%; no homozygotes.

Submission:

Ambry Genetics
Classification: Uncertain significance. Last evaluated: 2022-12-01. Review status: criteria provided, single submitter. Criteria: Ambry Variant Classification Scheme 2023. Collection method: clinical testing. Allele origin: germline.
Comment: The p.A167S variant (also known as c.499G>T), located in coding exon 5 of the PDLIM3 gene, results from a G to T substitution at nucleotide position 499. The alanine at codon 167 is replaced by serine, an amino acid with similar properties. This amino acid position is conserved. In addition, this alteration is predicted to be tolerated by in silico analysis. Since supporting evidence is limited at this time, the clinical significance of this alteration remains unclear.

NM_014476.6(PDLIM3):c.499G>T (p.Ala167Ser)

Gene: PDLIM3 (PDZ and LIM domain 3; minus strand). Cytogenetic location: 4q35.1.
Variant type: single nucleotide variant.
Coding change: c.499G>T on transcript NM_014476.6 (MANE Select); coding-DNA position 499, G replaced by T.
Protein change: p.Ala167Ser; replaces alanine 167 with serine.
Molecular consequence: missense variant. On other transcripts: intron variant (3).
Genome position (GRCh38, 1-based): chr4:185,508,462, C>A on the plus strand (G>T on the coding strand, the complement: PDLIM3 is on the minus strand). VCF-style: chr4-185508462-C-A. GRCh37 (hg19) VCF-style: chr4-186429616-C-A.
Other names: c.162-1810G>T (NM_001257963.2); c.399-1810G>T (NM_001257962.2); c.519-1810G>T (NM_001114107.5); short protein forms A167S.
Identifiers: ClinVar variation 2448559 (VCV002448559.2), dbSNP rs374691561, ClinGen allele CA3159765.